The following is an entry in ClinVar:

ClinVar aggregate classification (germline): Uncertain significance (1 of 4 stars; one submission).

Allele frequency attached by ClinVar (database versions not stated): gnomAD 0.00001; gnomAD exomes 0.00001; ExAC 0.00002.

Submission:

Labcorp Genetics (formerly Invitae), Labcorp
Classification: Uncertain significance. Last evaluated: 2026-01-12. Review status: criteria provided, single submitter. Criteria: Invitae Variant Classification Sherloc (09022015). Collection method: clinical testing. Allele origin: germline.
Comment: This sequence change replaces aspartic acid, which is acidic and polar, with asparagine, which is neutral and polar, at codon 1049 of the LRP2 protein (p.Asp1049Asn). This variant is present in population databases (rs754176029, gnomAD 0.003%). This variant has not been reported in the literature in individuals affected with LRP2-related conditions. ClinVar contains an entry for this variant (Variation ID: 1398587). Invitae Evidence Modeling of protein sequence and biophysical properties (such as structural, functional, and spatial information, amino acid conservation, physicochemical variation, residue mobility, and thermodynamic stability) indicates that this missense variant is not expected to disrupt LRP2 protein function with a negative predictive value of 95%. In summary, the available evidence is currently insufficient to determine the role of this variant in disease. Therefore, it has been classified as a Variant of Uncertain Significance.

NM_004525.3(LRP2):c.3145G>A (p.Asp1049Asn)

Gene: LRP2 (LDL receptor related protein 2; minus strand). Cytogenetic location: 2q31.1.
Variant type: single nucleotide variant.
Coding change: c.3145G>A on transcript NM_004525.3 (MANE Select); coding-DNA position 3145, G replaced by A.
Protein change: p.Asp1049Asn; replaces aspartic acid 1049 with asparagine.
Molecular consequence: missense variant.
Genome position (GRCh38, 1-based): chr2:169,246,750, C>T on the plus strand (G>A on the coding strand, the complement: LRP2 is on the minus strand). VCF-style: chr2-169246750-C-T. GRCh37 (hg19) VCF-style: chr2-170103260-C-T.
Other names: short protein forms D1049N.
Identifiers: ClinVar variation 1398587 (VCV001398587.6), dbSNP rs754176029, ClinGen allele CA1955120.